The following is an entry in ClinVar:

NM_001162501.2(TNRC6B):c.28G>A (p.Glu10Lys)

Gene: TNRC6B (trinucleotide repeat containing adaptor 6B; plus strand). Cytogenetic location: 22q13.1.
Variant type: single nucleotide variant.
Coding change: c.28G>A on transcript NM_001162501.2 (MANE Select); coding-DNA position 28, G replaced by A.
Protein change: p.Glu10Lys; replaces glutamic acid 10 with lysine.
Molecular consequence: missense variant.
Genome position (GRCh38, 1-based): chr22:40,246,037, G>A. VCF-style: chr22-40246037-G-A. GRCh37 (hg19) VCF-style: chr22-40642041-G-A.
Other names: c.136G>A, p.Glu46Lys (NM_001024843.2); c.28G>A, p.Glu10Lys (NM_015088.3); short protein forms E10K, E46K.
Identifiers: ClinVar variation 5009727 (VCV005009727.1).
Genomic context (GRCh38, chr22:40,246,037, plus strand): 5'-TAGATGTATAACCTTCTGTTATGATGTTACTTTAATAGAGAGAAGGAGCAAGAAAGGGAA[G>A]AACAGTTAATGGAAGACAAGAAAAGGAAGAAAGAGGATAAAAAGAAAAAAGAAGCCACTC-3'
Protein context (NP_001155973.1, residues 1-20): MREKEQERE[Glu10Lys]QLMEDKKRKK

ClinVar aggregate classification (germline): Uncertain significance (1 of 4 stars; one submission).

Submission:

GeneDx
Classification: Uncertain significance. Last evaluated: 2026-02-18. Review status: criteria provided, single submitter. Criteria: GeneDx Variant Classification Process June 2021. Collection method: clinical testing. Allele origin: germline.
Comment: Not observed at significant frequency in large population cohorts (gnomAD); In silico analysis suggests that this missense variant does not alter protein structure/function; Has not been previously published as pathogenic or benign to our knowledge